The following is an entry in ClinVar:

NM_000744.7(CHRNA4):c.341C>T (p.Pro114Leu)

Genes: CHRNA4 (cholinergic receptor nicotinic alpha 4 subunit; minus strand), LOC126863087 (P300/CBP strongly-dependent group 1 enhancer GRCh37_chr20:61986832-61988031; plus strand). Cytogenetic location: 20q13.33.
Variant type: single nucleotide variant.
Coding change: c.341C>T on transcript NM_000744.7 (MANE Select); coding-DNA position 341, C replaced by T.
Protein change: p.Pro114Leu; replaces proline 114 with leucine.
Molecular consequence: missense variant. On other transcripts: 5 prime UTR variant (1), non-coding transcript variant (1).
Genome position (GRCh38, 1-based): chr20:63,356,017, G>A on the plus strand (C>T on the coding strand, the complement: CHRNA4 is on the minus strand). VCF-style: chr20-63356017-G-A. GRCh37 (hg19) VCF-style: chr20-61987369-G-A.
Other names: c.-206C>T (NM_001256573.2); short protein forms P114L.
Identifiers: ClinVar variation 2904335 (VCV002904335.3), dbSNP rs2516562306, ClinGen allele CA409641189.

ClinVar aggregate classification (germline): Uncertain significance (1 of 4 stars; one submission).

Conditions:
Familial sleep-related hypermotor epilepsy. Also called: Autosomal Dominant Sleep-Related Hypermotor (Hyperkinetic) Epilepsy. Identifiers: Orphanet 98784, MedGen C3696898, MONDO:0000030.

Allele frequency attached by ClinVar (database versions not stated): gnomAD exomes below 0.00001.
gnomAD v4.1: 2 of 1,611,214 alleles (0.00012%); highest among the groups gnomAD compares: Admixed American, 0.0033%; no homozygotes.

Submission:

Labcorp Genetics (formerly Invitae), Labcorp
Classification: Uncertain significance. Last evaluated: 2024-03-03. Review status: criteria provided, single submitter. Criteria: Invitae Variant Classification Sherloc (09022015). Collection method: clinical testing. Allele origin: germline.
Comment: This sequence change replaces proline, which is neutral and non-polar, with leucine, which is neutral and non-polar, at codon 114 of the CHRNA4 protein (p.Pro114Leu). This variant is not present in population databases (gnomAD no frequency). This variant has not been reported in the literature in individuals affected with CHRNA4-related conditions. Advanced modeling of protein sequence and biophysical properties (such as structural, functional, and spatial information, amino acid conservation, physicochemical variation, residue mobility, and thermodynamic stability) performed at Invitae indicates that this missense variant is expected to disrupt CHRNA4 protein function with a positive predictive value of 80%. In summary, the available evidence is currently insufficient to determine the role of this variant in disease. Therefore, it has been classified as a Variant of Uncertain Significance.